The following is an entry in ClinVar:

ClinVar aggregate classification (germline): Uncertain significance. Review status: criteria provided, multiple submitters, no conflicts (2 of 4 stars). 4 submissions from 4 submitters: Uncertain significance (4). Last evaluated 2025-07-09.

Conditions:
Inborn genetic diseases. Identifiers: MedGen C0950123, MeSH D030342.
Williams syndrome (WBS). Also called: CHROMOSOME 7q11.23 DELETION SYNDROME, 1.5- TO 1.8-MB; WILLIAMS-BEUREN SYNDROME. Identifiers: Orphanet 904, MedGen C0175702, MONDO:0008678, OMIM 194050. Disease mechanism: loss of function.
Supravalvar aortic stenosis (SVAS). Also called: Supravalvar aortic stenosis, Eisenberg type. Identifiers: Orphanet 3193, MedGen C0003499, MONDO:0008504, OMIM 185500, HP:0004381.
Cutis laxa, autosomal dominant 1 (ADCL1). Also called: ELN-Related Cutis Laxa. Identifiers: Orphanet 90348, MedGen C3276539, MONDO:0007411, OMIM 123700. Disease mechanism: Dominant Negative.

Allele frequency attached by ClinVar (database versions not stated): ExAC 0.00001; gnomAD exomes 0.00002; gnomAD 0.00003; TOPMed 0.00003; ESP Exome Variant Server 0.00008.

Submissions (4):

GeneDx
Classification: Uncertain significance. Last evaluated: 2025-07-09. Review status: criteria provided, single submitter. Criteria: GeneDx Variant Classification Process June 2021. Collection method: clinical testing. Allele origin: germline. Affected: yes.
Comment: Has not been previously published as pathogenic or benign to our knowledge; Not observed at significant frequency in large population cohorts (gnomAD); In silico analysis supports that this missense variant has a deleterious effect on protein structure/function

Ambry Genetics
Classification: Uncertain significance for Inborn genetic diseases. Last evaluated: 2025-05-13. Review status: criteria provided, single submitter. Criteria: Ambry Variant Classification Scheme 2023. Collection method: clinical testing. Allele origin: germline.

Labcorp Genetics (formerly Invitae), Labcorp
Classification: Uncertain significance for Supravalvar aortic stenosis. Last evaluated: 2025-04-10. Review status: criteria provided, single submitter. Criteria: Invitae Variant Classification Sherloc (09022015). Collection method: clinical testing. Allele origin: germline.
Comment: This sequence change replaces glycine, which is neutral and non-polar, with glutamic acid, which is acidic and polar, at codon 710 of the ELN protein (p.Gly710Glu). This variant is present in population databases (rs140085632, gnomAD 0.003%). This variant has not been reported in the literature in individuals affected with ELN-related conditions. ClinVar contains an entry for this variant (Variation ID: 423097). Invitae Evidence Modeling of protein sequence and biophysical properties (such as structural, functional, and spatial information, amino acid conservation, physicochemical variation, residue mobility, and thermodynamic stability) indicates that this missense variant is not expected to disrupt ELN protein function with a negative predictive value of 80%. In summary, the available evidence is currently insufficient to determine the role of this variant in disease. Therefore, it has been classified as a Variant of Uncertain Significance.

Fulgent Genetics
Classification: Uncertain significance for Cutis laxa, autosomal dominant 1; Supravalvar aortic stenosis; Williams syndrome. Last evaluated: 2018-10-31. Review status: criteria provided, single submitter. Criteria: ACMG Guidelines, 2015. Collection method: clinical testing. Allele origin: unknown.

NM_000501.4(ELN):c.1943G>A (p.Gly648Glu)

Gene: ELN (elastin; plus strand). Cytogenetic location: 7q11.23.
Variant type: single nucleotide variant.
Coding change: c.1943G>A on transcript NM_000501.4 (MANE Select); coding-DNA position 1943, G replaced by A.
Protein change: p.Gly648Glu; replaces glycine 648 with glutamic acid.
Molecular consequence: missense variant.
Genome position (GRCh38, 1-based): chr7:74,063,645, G>A. VCF-style: chr7-74063645-G-A. GRCh37 (hg19) VCF-style: chr7-73477975-G-A.
Other names: c.1856G>A, p.Gly619Glu (NM_001081752.3); c.1901G>A, p.Gly634Glu (NM_001081753.3); c.1958G>A, p.Gly653Glu (NM_001081754.3); c.1886G>A, p.Gly629Glu (NM_001081755.3); c.1943G>A, p.Gly648Glu (NM_001278912.2); c.1700G>A, p.Gly567Glu (NM_001278913.2); c.1871G>A, p.Gly624Glu (NM_001278914.2); c.1961G>A, p.Gly654Glu (NM_001278915.2); and 4 more; short protein forms G648E, G600E, G653E, G654E, G710E, G559E, G567E, G634E.
Identifiers: ClinVar variation 423097 (VCV000423097.13), dbSNP rs140085632, ClinGen allele CA4293310.